The following is an entry in ClinVar:

ClinVar aggregate classification (germline): Conflicting classifications of pathogenicity. Review status: criteria provided, conflicting classifications (1 of 4 stars). 3 submissions from 3 submitters: Likely pathogenic (1); Uncertain significance (2). Last evaluated 2025-04-23.

Conditions:
Retinal disorder. Also called: Retinopathy; Retinopathies; Retinal Diseases; Retinal disorders. Identifiers: MedGen C0035309, MONDO:0005283, HP:0000488.

Allele frequency attached by ClinVar (database versions not stated): ExAC 0.00001; gnomAD exomes 0.00001.
gnomAD v4.1: 12 of 1,613,848 alleles (0.00074%); highest among the groups gnomAD compares: East Asian, 0.0022%; no homozygotes.

Submissions (3):

North West Genomic Laboratory Hub, Manchester University NHS Foundation Trust
Classification: Likely pathogenic for Retinal disorders. Last evaluated: 2025-04-23. Review status: criteria provided, single submitter. Criteria: ACGS Best Practice Guidelines for Variant Classification in Rare Disease 2024. Collection method: clinical testing. Allele origin: germline. Affected: yes.
Comment: PP4_Mod PM2_Mod PP3_Supp PM3_Supp

Blueprint Genetics
Classification: Uncertain significance. Last evaluated: 2024-07-04. Review status: criteria provided, single submitter. Criteria: ACMG Guidelines, 2015. Collection method: clinical testing. Allele origin: germline.

Labcorp Genetics (formerly Invitae), Labcorp
Classification: Uncertain significance. Last evaluated: 2022-06-13. Review status: criteria provided, single submitter. Criteria: Invitae Variant Classification Sherloc (09022015). Collection method: clinical testing. Allele origin: germline.
Comment: This sequence change replaces alanine, which is neutral and non-polar, with valine, which is neutral and non-polar, at codon 407 of the GRM6 protein (p.Ala407Val). The frequency data for this variant in the population databases is considered unreliable, as metrics indicate poor data quality at this position in the gnomAD database. This variant has not been reported in the literature in individuals affected with GRM6-related conditions. ClinVar contains an entry for this variant (Variation ID: 1004985). Advanced modeling of protein sequence and biophysical properties (such as structural, functional, and spatial information, amino acid conservation, physicochemical variation, residue mobility, and thermodynamic stability) performed at Invitae indicates that this missense variant is expected to disrupt GRM6 protein function. In summary, the available evidence is currently insufficient to determine the role of this variant in disease. Therefore, it has been classified as a Variant of Uncertain Significance.

NM_000843.4(GRM6):c.1220C>T (p.Ala407Val)

Genes: GRM6 (glutamate metabotropic receptor 6; minus strand), ZNF454 (zinc finger protein 454; plus strand). Cytogenetic location: 5q35.3.
Variant type: single nucleotide variant.
Coding change: c.1220C>T on transcript NM_000843.4 (MANE Select); coding-DNA position 1220, C replaced by T.
Protein change: p.Ala407Val; replaces alanine 407 with valine.
Molecular consequence: missense variant.
Genome position (GRCh38, 1-based): chr5:178,989,069, G>A on the plus strand (C>T on the coding strand, the complement: GRM6 is on the minus strand). VCF-style: chr5-178989069-G-A. GRCh37 (hg19) VCF-style: chr5-178416070-G-A.
Other names: short protein forms A407V.
Identifiers: ClinVar variation 1004985 (VCV001004985.8), dbSNP rs778444272, ClinGen allele CA3594150.